The following is an entry in ClinVar:

ClinVar aggregate classification (germline): Benign/Likely benign. Review status: criteria provided, multiple submitters, no conflicts (2 of 4 stars). 2 submissions from 2 submitters: Benign (1); Likely benign (1). Last evaluated 2022-12-01.

Allele frequency attached by ClinVar (database versions not stated): 1000 Genomes Project 30x 0.00390; 1000 Genomes Project 0.00399; gnomAD 0.00538; TOPMed 0.00750; ESP Exome Variant Server 0.00815.
gnomAD v4.1: 12,407 of 1,613,516 alleles (0.77%); highest among the groups gnomAD compares: Non-Finnish European, 0.89%; 53 homozygotes.

Submissions (2):

CeGaT Center for Human Genetics Tuebingen
Classification: Likely benign. Last evaluated: 2022-12-01. Review status: criteria provided, single submitter. Criteria: CeGaT Center For Human Genetics Tuebingen Variant Classification Criteria Version 2. Collection method: clinical testing. Allele origin: germline. Affected: yes. Observed: 1 variant allele.
Comment: MCC: BP4, BP7, BS2

Labcorp Genetics (formerly Invitae), Labcorp
Classification: Benign. Last evaluated: 2018-08-08. Review status: criteria provided, single submitter. Criteria: Invitae Variant Classification Sherloc (09022015). Collection method: clinical testing. Allele origin: germline.

NM_001085377.2(MCC):c.1788G>T (p.Arg596=)

Gene: MCC (MCC regulator of Wnt signaling pathway; minus strand). Cytogenetic location: 5q22.2.
Variant type: single nucleotide variant.
Coding change: c.1788G>T on transcript NM_001085377.2 (MANE Select); coding-DNA position 1788, G replaced by T.
Protein change: p.Arg596=; no amino-acid change (arginine 596 retained).
Molecular consequence: synonymous variant.
Genome position (GRCh38, 1-based): chr5:113,071,231, C>A on the plus strand (G>T on the coding strand, the complement: MCC is on the minus strand). VCF-style: chr5-113071231-C-A. GRCh37 (hg19) VCF-style: chr5-112406928-C-A.
Other names: c.1218G>T, p.Arg406= (NM_002387.3).
Identifiers: ClinVar variation 778214 (VCV000778214.27), dbSNP rs62373350, ClinGen allele CA3370162.